The following is an entry in ClinVar:

ClinVar aggregate classification (germline): Uncertain significance (1 of 4 stars; one submission).

Conditions:
Atypical hemolytic-uremic syndrome. Identifiers: Orphanet 2134, MedGen C2931788, MONDO:0016244.
Basal laminar drusen. Also called: DRUSEN OF BRUCH MEMBRANE; DRUSEN, CUTICULAR; DRUSEN, EARLY ADULT-ONSET, GROUPED. Identifiers: Orphanet 75376, MedGen C0730295, MONDO:0007472, OMIM 126700.
Factor H deficiency (CFHD). Also called: COMPLEMENT FACTOR H DEFICIENCY; CFH DEFICIENCY. Identifiers: Orphanet 200421, MedGen C0398777, MONDO:0012350, OMIM 609814.
Age related macular degeneration 4. Identifiers: MedGen C1853147, MONDO:0012540, OMIM 610698.

gnomAD v4.1: 2 of 1,585,340 alleles (0.00013%); highest among the groups gnomAD compares: Middle Eastern, 0.034%; no homozygotes.

Submission:

Genomenon, Inc
Classification: Uncertain significance for Basal laminar drusen; Age related macular degeneration 4; Atypical hemolytic-uremic syndrome; Factor H deficiency. Last evaluated: 2025-10-02. Review status: criteria provided, single submitter. Criteria: Genomenon Sequence Variant Interpretation Standards - Updated. Collection method: curation. Allele origin: germline. Affected: no.
Comment: CFH p.His821Arg (c.2462A>G) is a missense variant that changes the amino acid at residue 821 from Histidine to Arginine. This variant has been reported in the published literature (PMID:36211394). It is absent or not present at a significant frequency in gnomAD. In silico models agree that this variant is not damaging. In conclusion, we classify CFH p.His821Arg (c.2462A>G) as a variant of uncertain significance.

Literature cited by the submitters: PubMed 36211394.

NM_000186.4(CFH):c.2462A>G (p.His821Arg)

Gene: CFH (complement factor H; plus strand). Cytogenetic location: 1q31.3.
Variant type: single nucleotide variant.
Coding change: c.2462A>G on transcript NM_000186.4 (MANE Select); coding-DNA position 2462, A replaced by G.
Protein change: p.His821Arg; replaces histidine 821 with arginine.
Molecular consequence: missense variant.
Genome position (GRCh38, 1-based): chr1:196,736,872, A>G. VCF-style: chr1-196736872-A-G. GRCh37 (hg19) VCF-style: chr1-196706002-A-G.
Other names: short protein forms H821R.
Identifiers: ClinVar variation 4291482 (VCV004291482.1).
Genomic context (GRCh38, chr1:196,736,872, plus strand): 5'-AATATTTTTTAGTGGCACAAATACAATTATGCCCACCTCCACCTCAGATTCCCAATTCTC[A>G]CAATATGACAACCACACTGAATTATCGGGATGGAGAAAAAGTATCTGTTCTTTGCCAAGA-3'
Protein context (NP_000177.2, residues 811-831): CPPPPQIPNS[His821Arg]NMTTTLNYRD